The following is an entry in ClinVar:

NM_000528.4(MAN2B1):c.744G>A (p.Pro248=)

Gene: MAN2B1 (mannosidase alpha class 2B member 1; minus strand). Cytogenetic location: 19p13.13.
Variant type: single nucleotide variant.
Coding change: c.744G>A on transcript NM_000528.4 (MANE Select); coding-DNA position 744, G replaced by A.
Protein change: p.Pro248=; no amino-acid change (proline 248 retained).
Molecular consequence: synonymous variant.
Genome position (GRCh38, 1-based): chr19:12,663,722, C>T on the plus strand (G>A on the coding strand, the complement: MAN2B1 is on the minus strand). VCF-style: chr19-12663722-C-T. GRCh37 (hg19) VCF-style: chr19-12774536-C-T.
Other names: c.744G>A, p.Pro248= (NM_001173498.2).
Identifiers: ClinVar variation 716717 (VCV000716717.25), dbSNP rs3745649, ClinGen allele CA9226728.

ClinVar aggregate classification (germline): Conflicting classifications of pathogenicity. Review status: criteria provided, conflicting classifications (1 of 4 stars). 4 submissions from 4 submitters: Uncertain significance (1); Likely benign (3). Last evaluated 2026-01-26.

Conditions:
Deficiency of alpha-mannosidase (MANSA). Also called: LYSOSOMAL ALPHA-D-MANNOSIDASE DEFICIENCY; Mannosidosis, alpha-, types I and II; Alpha-Mannosidosis. Identifiers: Orphanet 61, MedGen C0024748, MONDO:0009561, OMIM 248500.

Allele frequency attached by ClinVar (database versions not stated): ExAC 0.00007; gnomAD exomes 0.00009; TOPMed 0.00013; ESP Exome Variant Server 0.00031.
gnomAD v4.1: 175 of 1,612,522 alleles (0.011%); highest among the groups gnomAD compares: Non-Finnish European, 0.014%; no homozygotes.

Submissions (4):

Labcorp Genetics (formerly Invitae), Labcorp
Classification: Likely benign for Deficiency of alpha-mannosidase. Last evaluated: 2026-01-26. Review status: criteria provided, single submitter. Criteria: Invitae Variant Classification Sherloc (09022015). Collection method: clinical testing. Allele origin: germline.

CeGaT Center for Human Genetics Tuebingen
Classification: Likely benign. Last evaluated: 2025-07-01. Review status: criteria provided, single submitter. Criteria: CeGaT Center For Human Genetics Tuebingen Variant Classification Criteria Version 2. Collection method: clinical testing. Allele origin: germline. Affected: yes. Observed: 1 variant allele.
Comment: MAN2B1: BP4, BP7

Genome-Nilou Lab
Classification: Likely benign for Deficiency of alpha-mannosidase. Last evaluated: 2021-09-05. Review status: criteria provided, single submitter. Criteria: ACMG Guidelines, 2015. Collection method: clinical testing. Allele origin: germline. Affected: no.

Illumina Laboratory Services, Illumina
Classification: Uncertain significance for Deficiency of alpha-mannosidase. Last evaluated: 2018-01-13. Review status: criteria provided, single submitter. Criteria: ICSL Variant Classification Criteria 13 December 2019. Collection method: clinical testing. Allele origin: germline.